The following is an entry in ClinVar:

NM_001374353.1(GLI2):c.2934del (p.Gly979fs)

Gene: GLI2 (GLI family zinc finger 2; plus strand). Cytogenetic location: 2q14.2.
Variant type: Deletion.
Coding change: c.2934del on transcript NM_001374353.1 (MANE Select); coding-DNA position 2934, one base deleted (C; older notation c.2934delC).
Protein change: p.Gly979fs; shifts the reading frame from glycine 979.
Molecular consequence: frameshift variant.
Genome position (GRCh38, 1-based): chr2:120,988,899, C deleted; the last of 4 consecutive C bases (chr2:120,988,896-120,988,899); deleting any one gives the same sequence. VCF-style (leftmost placement, unchanged base first): chr2-120988895-AC-A. GRCh37 (hg19) VCF-style: chr2-121746471-AC-A.
Other names: c.2985del, p.Gly996fs (NM_001371271.1, NM_005270.5); c.2559del, p.Gly854fs (NM_001374354.1); short protein forms G854fs, G979fs, G996fs.
Identifiers: ClinVar variation 1305584 (VCV001305584.2), dbSNP rs2105089188, ClinGen allele CA2573051649.

ClinVar aggregate classification (germline): Uncertain significance (1 of 4 stars; one submission).

Submission:

GeneDx
Classification: Uncertain significance. Last evaluated: 2019-04-29. Review status: criteria provided, single submitter. Criteria: GeneDx Variant Classification Process June 2021. Collection method: clinical testing. Allele origin: germline. Affected: yes.
Comment: Frameshift variant predicted to result in protein truncation as the last 591 amino acids are lost and replaced with 133 incorrect amino acids, although loss-of-function variants have not been reported downstream of this position in the protein; Not observed in large population cohorts (Lek et al., 2016); Has not been previously published as pathogenic or benign to our knowledge